The following is an entry in ClinVar:

ClinVar aggregate classification (germline): Uncertain significance (1 of 4 stars; one submission).

Submission:

Labcorp Genetics (formerly Invitae), Labcorp
Classification: Uncertain significance. Last evaluated: 2025-04-01. Review status: criteria provided, single submitter. Criteria: Invitae Variant Classification Sherloc (09022015). Collection method: clinical testing. Allele origin: germline.
Comment: This sequence change replaces glutamic acid, which is acidic and polar, with glutamine, which is neutral and polar, at codon 1016 of the CHD8 protein (p.Glu1016Gln). This variant is not present in population databases (gnomAD no frequency). This variant has not been reported in the literature in individuals affected with CHD8-related conditions. Invitae Evidence Modeling of protein sequence and biophysical properties (such as structural, functional, and spatial information, amino acid conservation, physicochemical variation, residue mobility, and thermodynamic stability) indicates that this missense variant is not expected to disrupt CHD8 protein function with a negative predictive value of 95%. In summary, the available evidence is currently insufficient to determine the role of this variant in disease. Therefore, it has been classified as a Variant of Uncertain Significance.

NM_001170629.2(CHD8):c.3046G>C (p.Glu1016Gln)

Gene: CHD8 (chromodomain helicase DNA binding protein 8; minus strand). Cytogenetic location: 14q11.2.
Variant type: single nucleotide variant.
Coding change: c.3046G>C on transcript NM_001170629.2 (MANE Select); coding-DNA position 3046, G replaced by C.
Protein change: p.Glu1016Gln; replaces glutamic acid 1016 with glutamine.
Molecular consequence: missense variant.
Genome position (GRCh38, 1-based): chr14:21,405,726, C>G on the plus strand (G>C on the coding strand, the complement: CHD8 is on the minus strand). VCF-style: chr14-21405726-C-G. GRCh37 (hg19) VCF-style: chr14-21873885-C-G.
Other names: c.2209G>C, p.Glu737Gln (NM_020920.4); short protein forms E737Q, E1016Q.
Identifiers: ClinVar variation 4746960 (VCV004746960.1).